The following is an entry in ClinVar:

ClinVar aggregate classification (germline): Pathogenic/Likely pathogenic. Review status: criteria provided, multiple submitters, no conflicts (2 of 4 stars). 2 submissions from 2 submitters: Pathogenic (1); Likely pathogenic (1). Last evaluated 2023-07-14.

Conditions:
Glycogen storage disease IXa1. Also called: GLYCOGEN STORAGE DISEASE VIII; GSD VIII; LIVER GLYCOGENOSIS, X-LINKED, TYPE I; Glycogen storage disease 8. Identifiers: Orphanet 264580, MedGen C3694531, MONDO:0010598, OMIM 306000.

Submissions (2):

Labcorp Genetics (formerly Invitae), Labcorp
Classification: Pathogenic for Glycogen storage disease IXa1. Last evaluated: 2023-07-14. Review status: criteria provided, single submitter. Criteria: Invitae Variant Classification Sherloc (09022015). Collection method: clinical testing. Allele origin: germline.
Comment: Disruption of the initiator codon has been observed in individual(s) with glycogen storage disease (Invitae). This variant is not present in population databases (gnomAD no frequency). This sequence change affects the initiator methionine of the PHKA2 mRNA. The next in-frame methionine is located at codon 59. For these reasons, this variant has been classified as Pathogenic. This variant disrupts a region of the PHKA2 protein in which other variant(s) (p.Arg45Trp) have been determined to be pathogenic (PMID: 21646031, 25070466, 28627441; Invitae). This suggests that this is a clinically significant region of the protein, and that variants that disrupt it are likely to be disease-causing. ClinVar contains an entry for this variant (Variation ID: 1067758).

CeGaT Center for Human Genetics Tuebingen
Classification: Likely pathogenic. Last evaluated: 2022-09-01. Review status: criteria provided, single submitter. Criteria: CeGaT Center For Human Genetics Tuebingen Variant Classification Criteria Version 2. Collection method: clinical testing. Allele origin: germline. Affected: yes. Observed: 1 variant allele.
Comment: PHKA2: PM2, PVS1:Moderate, PM3:Supporting, PP4

Literature cited by the submitters: PubMed 21646031 (cited by Labcorp Genetics (formerly Invitae), Labcorp); PubMed 25070466 (cited by Labcorp Genetics (formerly Invitae), Labcorp); PubMed 28627441 (cited by Labcorp Genetics (formerly Invitae), Labcorp).

NM_000292.3(PHKA2):c.1A>G (p.Met1Val)

Gene: PHKA2 (phosphorylase kinase regulatory subunit alpha 2; minus strand). Cytogenetic location: Xp22.13.
Variant type: single nucleotide variant.
Coding change: c.1A>G on transcript NM_000292.3 (MANE Select); coding-DNA position 1, A replaced by G.
Protein change: p.Met1Val; changes the start codon (methionine 1).
Molecular consequence: missense variant, initiator codon variant.
Genome position (GRCh38, 1-based): chrX:18,983,932, T>C on the plus strand (A>G on the coding strand, the complement: PHKA2 is on the minus strand). VCF-style: chrX-18983932-T-C. GRCh37 (hg19) VCF-style: chrX-19002050-T-C.
Other names: short protein forms M1V.
Identifiers: ClinVar variation 1067758 (VCV001067758.39), dbSNP rs2148058081, ClinGen allele CA412382343.